The following is an entry in ClinVar:

ClinVar aggregate classification (germline): Likely benign. Review status: criteria provided, single submitter (1 of 4 stars). 2 submissions from 2 submitters: Likely benign (1). 1 of the submissions does not count toward it. Last evaluated 2025-12-22.

Conditions:
FAT4-related disorder. Also called: FAT4-related condition.

Allele frequency attached by ClinVar (database versions not stated): gnomAD 0.00001; gnomAD exomes 0.00001; ExAC 0.00002; 1000 Genomes Project 30x 0.00016; 1000 Genomes Project 0.00020.
gnomAD v4.1: 5 of 1,614,036 alleles (0.00031%); highest among the groups gnomAD compares: Admixed American, 0.005%; no homozygotes.

Submissions (2):

Labcorp Genetics (formerly Invitae), Labcorp
Classification: Likely benign. Last evaluated: 2025-12-22. Review status: criteria provided, single submitter. Criteria: Invitae Variant Classification Sherloc (09022015). Collection method: clinical testing. Allele origin: germline.

PreventionGenetics, part of Exact Sciences
Classification: Likely benign for FAT4-related condition. Last evaluated: 2023-07-26. Review status: no assertion criteria provided. Collection method: clinical testing. Allele origin: germline. Not counted in ClinVar's aggregate classification.
Comment: This variant is classified as likely benign based on ACMG/AMP sequence variant interpretation guidelines (Richards et al. 2015 PMID: 25741868, with internal and published modifications).

NM_001291303.3(FAT4):c.9222A>G (p.Gln3074=)

Gene: FAT4 (FAT atypical cadherin 4; plus strand). Cytogenetic location: 4q28.1.
Variant type: single nucleotide variant.
Coding change: c.9222A>G on transcript NM_001291303.3 (MANE Select); coding-DNA position 9222, A replaced by G.
Protein change: p.Gln3074=; no amino-acid change (glutamine 3074 retained).
Molecular consequence: synonymous variant.
Genome position (GRCh38, 1-based): chr4:125,450,232, A>G. VCF-style: chr4-125450232-A-G. GRCh37 (hg19) VCF-style: chr4-126371387-A-G.
Other names: c.9222A>G (NM_001291303.1); c.9222A>G, p.Gln3074= (NM_001291285.3); c.9216A>G, p.Gln3072= (NM_024582.6).
Identifiers: ClinVar variation 2171315 (VCV002171315.6), dbSNP rs541662297, ClinGen allele CA3073489.